The following is an entry in ClinVar:

ClinVar aggregate classification (germline): Uncertain significance (1 of 4 stars; one submission).

Conditions:
Arrhythmogenic right ventricular dysplasia 8 (ARVD8). Also called: ARRHYTHMOGENIC RIGHT VENTRICULAR CARDIOMYOPATHY 8; Arrhythmogenic Right Ventricular Dysplasia/Cardiomyopathy 8; ARRHYTHMOGENIC RIGHT VENTRICULAR DYSPLASIA, FAMILIAL, 8. Identifiers: MedGen C1843896, MONDO:0011831, OMIM 607450.
Arrhythmogenic cardiomyopathy with wooly hair and keratoderma. Also called: Arrhythmogenic cardiomyopathy with woolly hair and keratoderma; PALMOPLANTAR KERATODERMA WITH LEFT VENTRICULAR CARDIOMYOPATHY AND WOOLLY HAIR; Carvajal syndrome; Dilated cardiomyopathy with woolly hair and keratoderma. Identifiers: Orphanet 65282, MedGen C1854063, MONDO:0011581, OMIM 605676.

Submission:

Labcorp Genetics (formerly Invitae), Labcorp
Classification: Uncertain significance for Arrhythmogenic cardiomyopathy with wooly hair and keratoderma; Arrhythmogenic right ventricular dysplasia 8. Last evaluated: 2022-10-14. Review status: criteria provided, single submitter. Criteria: Invitae Variant Classification Sherloc (09022015). Collection method: clinical testing. Allele origin: germline.
Comment: In summary, the available evidence is currently insufficient to determine the role of this variant in disease. Therefore, it has been classified as a Variant of Uncertain Significance. Variants that disrupt the consensus splice site are a relatively common cause of aberrant splicing (PMID: 17576681, 9536098). Algorithms developed to predict the effect of sequence changes on RNA splicing suggest that this variant is not likely to affect RNA splicing. This variant has not been reported in the literature in individuals affected with DSP-related conditions. This variant is not present in population databases (gnomAD no frequency). This sequence change falls in intron 18 of the DSP gene. It does not directly change the encoded amino acid sequence of the DSP protein. It affects a nucleotide within the consensus splice site.

Literature cited by the submitters: PubMed 17576681; PubMed 9536098.

NM_004415.4(DSP):c.2630+5G>C

Gene: DSP (desmoplakin; plus strand). Cytogenetic location: 6p24.3.
Variant type: single nucleotide variant.
Coding change: c.2630+5G>C on transcript NM_004415.4 (MANE Select); 5 bases into the intron after coding-DNA position 2630, G replaced by C.
Molecular consequence: intron variant.
Genome position (GRCh38, 1-based): chr6:7,575,493, G>C. VCF-style: chr6-7575493-G-C. GRCh37 (hg19) VCF-style: chr6-7575726-G-C.
Other names: c.2630+5G>C (NM_001319034.2, NM_001008844.3).
Identifiers: ClinVar variation 2032734 (VCV002032734.4), dbSNP rs2533909431, ClinGen allele CA2580075368.
Genomic context (GRCh38, chr6:7,575,493, plus strand): 5'-AAAGTCACACAGCTGACAGACCGCTGGCAAAGGATAGATAAACAGATCGACTTTAGGTAT[G>C]CCAGCCTCCTCCCGCTCCTTCCCCATCTTCTCCCCTTTTGGTTGTTCACAAGATAATGTC-3'